The following is an entry in ClinVar:

NM_006180.6(NTRK2):c.1962G>A (p.Leu654=)

Gene: NTRK2 (neurotrophic receptor tyrosine kinase 2; plus strand). Cytogenetic location: 9q21.33.
Variant type: single nucleotide variant.
Coding change: c.1962G>A on transcript NM_006180.6 (MANE Select); coding-DNA position 1962, G replaced by A.
Protein change: p.Leu654=; no amino-acid change (leucine 654 retained).
Molecular consequence: synonymous variant.
Genome position (GRCh38, 1-based): chr9:84,955,307, G>A. VCF-style: chr9-84955307-G-A. GRCh37 (hg19) VCF-style: chr9-87570222-G-A.
Other names: c.1914G>A, p.Leu638= (NM_001018064.3, NM_001369532.1, NM_001369533.1); c.1878G>A, p.Leu626= (NM_001369534.1); c.1446G>A, p.Leu482= (NM_001369535.1); c.1494G>A, p.Leu498= (NM_001369536.1).
Identifiers: ClinVar variation 722021 (VCV000722021.15), dbSNP rs147669506, ClinGen allele CA5105895.

ClinVar aggregate classification (germline): Likely benign. Review status: criteria provided, multiple submitters, no conflicts (2 of 4 stars). 4 submissions from 4 submitters: Likely benign (3). 1 of the submissions does not count toward it. Last evaluated 2025-08-29.

Conditions:
NTRK2-related disorder. Also called: NTRK2-related condition.
Obesity, hyperphagia, and developmental delay (OBHD). Identifiers: Orphanet 99704, MedGen C3151303, MONDO:0013483, OMIM 613886.
Developmental and epileptic encephalopathy, 58. Also called: EPILEPTIC ENCEPHALOPATHY, EARLY INFANTILE, 58. Identifiers: MedGen C4693367, MONDO:0033367, OMIM 617830.

Allele frequency attached by ClinVar (database versions not stated): gnomAD exomes 0.00001; ExAC 0.00005; gnomAD 0.00011; 1000 Genomes Project 30x 0.00016; TOPMed 0.00017; 1000 Genomes Project 0.00020; ESP Exome Variant Server 0.00023.
gnomAD v4.1: 37 of 1,607,928 alleles (0.0023%); highest among the groups gnomAD compares: African/African-American, 0.043%; no homozygotes.

Submissions (4):

Labcorp Genetics (formerly Invitae), Labcorp
Classification: Likely benign. Last evaluated: 2025-08-29. Review status: criteria provided, single submitter. Criteria: Invitae Variant Classification Sherloc (09022015). Collection method: clinical testing. Allele origin: germline.

Genetic Services Laboratory, University of Chicago
Classification: Likely benign. Last evaluated: 2021-11-16. Review status: criteria provided, single submitter. Criteria: ACMG Guidelines, 2015. Collection method: clinical testing. Allele origin: germline. Affected: no.

Fulgent Genetics
Classification: Likely benign for Obesity, hyperphagia, and developmental delay; Developmental and epileptic encephalopathy, 58. Last evaluated: 2021-08-10. Review status: criteria provided, single submitter. Criteria: ACMG Guidelines, 2015. Collection method: clinical testing. Allele origin: unknown.

PreventionGenetics, part of Exact Sciences
Classification: Likely benign for NTRK2-related condition. Last evaluated: 2019-10-17. Review status: no assertion criteria provided. Collection method: clinical testing. Allele origin: germline. Not counted in ClinVar's aggregate classification.
Comment: This variant is classified as likely benign based on ACMG/AMP sequence variant interpretation guidelines (Richards et al. 2015 PMID: 25741868, with internal and published modifications).